The following is an entry in ClinVar:

NM_014208.3(DSPP):c.2427del (p.Ser809fs)

Genes: DMP1-AS1 (DMP1 and DSPP antisense RNA 1; minus strand), DSPP (dentin sialophosphoprotein; plus strand). Cytogenetic location: 4q22.1.
Variant type: Deletion.
Coding change: c.2427del on transcript NM_014208.3 (MANE Select); coding-DNA position 2427, one base deleted (C; older notation c.2427delC).
Protein change: p.Ser809fs; shifts the reading frame from serine 809.
Molecular consequence: frameshift variant.
Genome position (GRCh38, 1-based): chr4:87,615,089, C deleted. VCF-style (leftmost placement, unchanged base first): chr4-87615088-GC-G. GRCh37 (hg19) VCF-style: chr4-88536240-GC-G.
Other names: short protein forms S809fs.
Identifiers: ClinVar variation 1709870 (VCV001709870.2), dbSNP rs2475884746, ClinGen allele CA2580071865.

ClinVar aggregate classification (germline): Pathogenic (1 of 4 stars; one submission).

Conditions:
Dentinogenesis imperfecta type 2 (DGI1). Also called: Dentinogenesis imperfecta without osteogenesis imperfecta; Hereditary Opalescent Dentin; Dentinogenesis imperfecta - Shield's type II; OPALESCENT DENTIN; OPALESCENT TEETH WITHOUT OSTEOGENESIS IMPERFECTA; CAPDEPONT TEETH. Identifiers: Orphanet 166260, MedGen C2973527, MONDO:0007441, OMIM 125490. Disease mechanism: loss of function.

Submission:

MGZ Medical Genetics Center
Classification: Pathogenic for Dentinogenesis imperfecta type 2. Last evaluated: 2021-08-12. Review status: criteria provided, single submitter. Criteria: ACMG Guidelines, 2015. Collection method: clinical testing. Allele origin: germline. Affected: yes. Observed: 1 variant allele.
Comment: ACMG criteria applied: PVS1, PM2_SUP, PP4